The following is an entry in ClinVar:

ClinVar aggregate classification (germline): Uncertain significance. Review status: criteria provided, multiple submitters, no conflicts (2 of 4 stars). 2 submissions from 2 submitters: Uncertain significance (2). Last evaluated 2024-12-08.

Conditions:
Cardiovascular phenotype. Identifiers: MedGen CN230736.
Distal myopathy with posterior leg and anterior hand involvement. Also called: WILLIAMS DISTAL MYOPATHY. Identifiers: Orphanet 63273, MedGen C3279722, MONDO:0013550, OMIM 614065.
Hypertrophic cardiomyopathy 26. Also called: Cardiomyopathy, familial hypertrophic, 26. Identifiers: Orphanet 75249, MedGen C4310749, MONDO:0014883, OMIM 617047.
Myofibrillar myopathy 5. Also called: Filaminopathy (type); FILAMINOPATHY, AUTOSOMAL DOMINANT. Identifiers: Orphanet 171445, MedGen C1836050, MONDO:0012289, OMIM 609524.

Allele frequency attached by ClinVar (database versions not stated): ExAC 0.00001; ESP Exome Variant Server 0.00008.
gnomAD v4.1: 4 of 1,612,784 alleles (0.00025%); highest among the groups gnomAD compares: Non-Finnish European, 0.00017%; no homozygotes.

Submissions (2):

Labcorp Genetics (formerly Invitae), Labcorp
Classification: Uncertain significance for Distal myopathy with posterior leg and anterior hand involvement; Myofibrillar myopathy 5; Hypertrophic cardiomyopathy 26. Last evaluated: 2024-12-08. Review status: criteria provided, single submitter. Criteria: Invitae Variant Classification Sherloc (09022015). Collection method: clinical testing. Allele origin: germline.
Comment: This sequence change replaces isoleucine, which is neutral and non-polar, with phenylalanine, which is neutral and non-polar, at codon 2440 of the FLNC protein (p.Ile2440Phe). This variant is present in population databases (rs377464792, gnomAD 0.0009%). This variant has not been reported in the literature in individuals affected with FLNC-related conditions. ClinVar contains an entry for this variant (Variation ID: 1758285). Invitae Evidence Modeling of protein sequence and biophysical properties (such as structural, functional, and spatial information, amino acid conservation, physicochemical variation, residue mobility, and thermodynamic stability) indicates that this missense variant is not expected to disrupt FLNC protein function with a negative predictive value of 80%. In summary, the available evidence is currently insufficient to determine the role of this variant in disease. Therefore, it has been classified as a Variant of Uncertain Significance.

Ambry Genetics
Classification: Uncertain significance for Cardiovascular phenotype. Last evaluated: 2020-07-30. Review status: criteria provided, single submitter. Criteria: Ambry Variant Classification Scheme 2023. Collection method: clinical testing. Allele origin: germline.
Comment: The p.I2440F variant (also known as c.7318A>T), located in coding exon 44 of the FLNC gene, results from an A to T substitution at nucleotide position 7318. The isoleucine at codon 2440 is replaced by phenylalanine, an amino acid with highly similar properties. This amino acid position is well conserved in available vertebrate species. In addition, the in silico prediction for this alteration is inconclusive. Since supporting evidence is limited at this time, the clinical significance of this alteration remains unclear.

NM_001458.5(FLNC):c.7318A>T (p.Ile2440Phe)

Genes: FLNC-AS1 (FLNC antisense RNA 1; minus strand), FLNC (filamin C; plus strand). Cytogenetic location: 7q32.1.
Variant type: single nucleotide variant.
Coding change: c.7318A>T on transcript NM_001458.5 (MANE Select); coding-DNA position 7318, A replaced by T.
Protein change: p.Ile2440Phe; replaces isoleucine 2440 with phenylalanine.
Molecular consequence: missense variant.
Genome position (GRCh38, 1-based): chr7:128,856,584, A>T. VCF-style: chr7-128856584-A-T. GRCh37 (hg19) VCF-style: chr7-128496638-A-T.
Other names: c.7219A>T, p.Ile2407Phe (NM_001127487.2); short protein forms I2407F, I2440F.
Identifiers: ClinVar variation 1758285 (VCV001758285.4), dbSNP rs377464792, ClinGen allele CA4476233.